The following is an entry in ClinVar:

ClinVar aggregate classification (germline): Pathogenic/Likely pathogenic. Review status: criteria provided, multiple submitters, no conflicts (2 of 4 stars). 4 submissions from 4 submitters: Pathogenic (2); Likely pathogenic (2). Last evaluated 2026-01-28.

Conditions:
DICER1-related tumor predisposition. Also called: DICER1-related pleuropulmonary blastoma cancer predisposition syndrome; DICER1 syndrome. Identifiers: Orphanet 284343, MedGen C3839822, MONDO:0100216.
Hereditary cancer-predisposing syndrome. Also called: Neoplastic Syndromes, Hereditary; Tumor predisposition; Hereditary neoplastic syndrome; Hereditary Cancer Syndrome. Identifiers: Orphanet 140162, MedGen C0027672, MeSH D009386, MONDO:0015356.
Global developmental delay - lung cysts - overgrowth - Wilms tumor syndrome. Also called: GLOBAL DEVELOPMENTAL DELAY, LUNG CYSTS, OVERGROWTH, AND WILMS TUMOR; GLOW Syndrome. Identifiers: Orphanet 404476, MedGen C4748924, MONDO:0018445, OMIM 618272.

Submissions (4):

Labcorp Genetics (formerly Invitae), Labcorp
Classification: Pathogenic for DICER1-related tumor predisposition. Last evaluated: 2026-01-28. Review status: criteria provided, single submitter. Criteria: Invitae Variant Classification Sherloc (09022015). Collection method: clinical testing. Allele origin: germline.
Comment: This sequence change affects a donor splice site in intron 16 of the DICER1 gene. It is expected to disrupt RNA splicing. Variants that disrupt the donor or acceptor splice site typically lead to a loss of protein function (PMID: 16199547), and loss-of-function variants in DICER1 are known to be pathogenic (PMID: 19556464, 21266384). This variant is not present in population databases (gnomAD no frequency). Disruption of this splice site has been observed in individual(s) with pleuropulmonary blastoma (PMID: 33782093). It has also been observed to segregate with disease in related individuals. ClinVar contains an entry for this variant (Variation ID: 690467). Algorithms developed to predict the effect of sequence changes on RNA splicing suggest that this variant may disrupt the consensus splice site. For these reasons, this variant has been classified as Pathogenic.

Ambry Genetics
Classification: Likely pathogenic for Hereditary cancer-predisposing syndrome. Last evaluated: 2024-10-08. Review status: criteria provided, single submitter. Criteria: Ambry Variant Classification Scheme 2023. Collection method: clinical testing. Allele origin: germline.
Comment: The c.2650+1G>A intronic variant results from a G to A substitution one nucleotide after coding exon 15 of the DICER1 gene. This variant has been observed in at least one individual with a personal and/or family history that is consistent with DICER1-associated disease (Ambry internal data). This variant is considered to be rare based on population cohorts in the Genome Aggregation Database (gnomAD). This nucleotide position is highly conserved in available vertebrate species. In silico splice site analysis predicts that this alteration will weaken the native splice donor site. Alterations that disrupt the canonical splice site are expected to cause aberrant splicing, resulting in an abnormal protein or a transcript that is subject to nonsense-mediated mRNA decay. As such, this alteration is classified as likely pathogenic.

Baylor Genetics
Classification: Likely pathogenic for Global developmental delay - lung cysts - overgrowth - Wilms tumor syndrome. Last evaluated: 2023-10-06. Review status: criteria provided, single submitter. Criteria: ACMG Guidelines, 2015. Collection method: clinical testing. Allele origin: unknown.

PreventionGenetics, part of Exact Sciences
Classification: Pathogenic. Last evaluated: 2020-09-28. Review status: criteria provided, single submitter. Criteria: ACMG Guidelines, 2015. Collection method: clinical testing. Allele origin: germline.

Literature cited by the submitters: PubMed 16199547 (cited by Labcorp Genetics (formerly Invitae), Labcorp); PubMed 19556464 (cited by Labcorp Genetics (formerly Invitae), Labcorp); PubMed 21266384 (cited by Labcorp Genetics (formerly Invitae), Labcorp); PubMed 33782093 (cited by Labcorp Genetics (formerly Invitae), Labcorp).

NM_177438.3(DICER1):c.2650+1G>A

Gene: DICER1 (dicer 1, ribonuclease III; minus strand). Cytogenetic location: 14q32.13.
Variant type: single nucleotide variant.
Coding change: c.2650+1G>A on transcript NM_177438.3 (MANE Select); the canonical splice donor site of the intron after coding-DNA position 2650, G replaced by A.
Molecular consequence: splice donor variant.
Genome position (GRCh38, 1-based): chr14:95,107,879, C>T on the plus strand (G>A on the coding strand, the complement: DICER1 is on the minus strand). VCF-style: chr14-95107879-C-T. GRCh37 (hg19) VCF-style: chr14-95574216-C-T.
Other names: c.2650+1G>A (NM_001291628.2, NM_030621.4, NM_001395677.1 and 12 more transcripts); c.2245+1G>A (NM_001395690.1, NM_001395687.1, NM_001395689.1 and 2 more transcripts); c.2368+1G>A (NM_001395686.1); c.2083+1G>A (NM_001395691.1); c.967+1G>A (NM_001395697.1).
Identifiers: ClinVar variation 690467 (VCV000690467.12), dbSNP rs886037691, ClinGen allele CA390881073.